The following is an entry in ClinVar:

ClinVar aggregate classification (germline): Likely pathogenic. Review status: criteria provided, multiple submitters, no conflicts (2 of 4 stars). 2 submissions from 2 submitters: Likely pathogenic (2). Last evaluated 2026-08-31.

Submissions (2):

GeneDx
Classification: Likely pathogenic. Last evaluated: 2026-08-31. Review status: criteria provided, single submitter. Criteria: GeneDx Variant Classification Process June 2021. Collection method: clinical testing. Allele origin: germline.
Comment: Reported with a second variant on the opposite allele (in trans) in an individual with decreased FVII:C activity in published literature (PMID: 12759632); Canonical splice site variant predicted to result in an in-frame loss of the adjacent exon in a gene for which loss of function is a known mechanism of disease; This variant is associated with the following publications: (PMID: 25525159, 35349734, 12759632)

Mayo Clinic Laboratories, Mayo Clinic
Classification: Likely pathogenic. Last evaluated: 2024-05-17. Review status: criteria provided, single submitter. Criteria: ACMG Guidelines, 2015. Collection method: clinical testing. Allele origin: germline. Observed: 1 variant allele.
Comment: PM2_moderate, PM3, PVS1_strong

Literature cited by the submitters: PubMed 12759632 (cited by Mayo Clinic Laboratories, Mayo Clinic).

NM_019616.4(F7):c.365-2A>G

Gene: F7 (coagulation factor VII; plus strand). Cytogenetic location: 13q34.
Variant type: single nucleotide variant.
Coding change: c.365-2A>G on transcript NM_019616.4 (MANE Select); the canonical splice acceptor site of the intron before coding-DNA position 365, A replaced by G.
Molecular consequence: splice acceptor variant.
Genome position (GRCh38, 1-based): chr13:113,115,658, A>G. VCF-style: chr13-113115658-A-G. GRCh37 (hg19) VCF-style: chr13-113769972-A-G.
Other names: c.431-2A>G (NM_000131.5); c.179-2A>G (NM_001267554.2).
Identifiers: ClinVar variation 3381103 (VCV003381103.3).